The following is an entry in ClinVar:

ClinVar aggregate classification (germline): Uncertain significance. Review status: criteria provided, multiple submitters, no conflicts (2 of 4 stars). 4 submissions from 4 submitters: Uncertain significance (4). Last evaluated 2022-11-07.

Conditions:
ALG8 congenital disorder of glycosylation. Also called: CONGENITAL DISORDER OF GLYCOSYLATION, TYPE Ih; CDG Ih; ALG8-CDG. Identifiers: Orphanet 79325, MedGen C2931002, MONDO:0011969, OMIM 608104.
Polycystic liver disease 3 with or without kidney cysts. Identifiers: MedGen C4693472, MONDO:0054743, OMIM 617874.
Inborn genetic diseases. Identifiers: MedGen C0950123, MeSH D030342.

Allele frequency attached by ClinVar (database versions not stated): ExAC 0.00001; gnomAD exomes 0.00002; gnomAD 0.00003 and 0.00004; TOPMed 0.00003.
gnomAD v4.1: 32 of 1,613,432 alleles (0.002%); highest among the groups gnomAD compares: African/African-American, 0.004%; no homozygotes.

Submissions (4):

Labcorp Genetics (formerly Invitae), Labcorp
Classification: Uncertain significance for ALG8 congenital disorder of glycosylation. Last evaluated: 2022-11-07. Review status: criteria provided, single submitter. Criteria: Invitae Variant Classification Sherloc (09022015). Collection method: clinical testing. Allele origin: germline.
Comment: This variant is present in population databases (rs758154434, gnomAD 0.008%). In summary, the available evidence is currently insufficient to determine the role of this variant in disease. Therefore, it has been classified as a Variant of Uncertain Significance. Variants that disrupt the consensus splice site are a relatively common cause of aberrant splicing (PMID: 17576681, 9536098). Algorithms developed to predict the effect of sequence changes on RNA splicing suggest that this variant may disrupt the consensus splice site. Algorithms developed to predict the effect of missense changes on protein structure and function are either unavailable or do not agree on the potential impact of this missense change (SIFT: "Tolerated"; PolyPhen-2: "Possibly Damaging"; Align-GVGD: "Class C0"). ClinVar contains an entry for this variant (Variation ID: 306216). This variant has not been reported in the literature in individuals affected with ALG8-related conditions. This sequence change replaces glycine, which is neutral and non-polar, with serine, which is neutral and polar, at codon 300 of the ALG8 protein (p.Gly300Ser). This variant also falls at the last nucleotide of exon 8, which is part of the consensus splice site for this exon.

Fulgent Genetics
Classification: Uncertain significance for ALG8 congenital disorder of glycosylation; Polycystic liver disease 3 with or without kidney cysts. Last evaluated: 2022-05-20. Review status: criteria provided, single submitter. Criteria: ACMG Guidelines, 2015. Collection method: clinical testing. Allele origin: unknown.

Ambry Genetics
Classification: Uncertain significance for Inborn genetic diseases. Last evaluated: 2022-03-10. Review status: criteria provided, single submitter. Criteria: Ambry Variant Classification Scheme 2023. Collection method: clinical testing. Allele origin: germline.

Illumina Laboratory Services, Illumina
Classification: Uncertain significance for ALG8 congenital disorder of glycosylation. Last evaluated: 2018-01-13. Review status: criteria provided, single submitter. Criteria: ICSL Variant Classification Criteria 13 December 2019. Collection method: clinical testing. Allele origin: germline.

Literature cited by the submitters: PubMed 17576681 (cited by Labcorp Genetics (formerly Invitae), Labcorp); PubMed 9536098 (cited by Labcorp Genetics (formerly Invitae), Labcorp).

NM_024079.5(ALG8):c.898G>A (p.Gly300Ser)

Gene: ALG8 (ALG8 alpha-1,3-glucosyltransferase; minus strand). Cytogenetic location: 11q14.1.
Variant type: single nucleotide variant.
Coding change: c.898G>A on transcript NM_024079.5 (MANE Select); coding-DNA position 898, G replaced by A.
Protein change: p.Gly300Ser; replaces glycine 300 with serine.
Molecular consequence: missense variant.
Genome position (GRCh38, 1-based): chr11:78,112,650, C>T on the plus strand (G>A on the coding strand, the complement: ALG8 is on the minus strand). VCF-style: chr11-78112650-C-T. GRCh37 (hg19) VCF-style: chr11-77823696-C-T.
Other names: c.898G>A, p.Gly300Ser (NM_001007027.3); short protein forms G300S.
Identifiers: ClinVar variation 306216 (VCV000306216.11), dbSNP rs758154434, ClinGen allele CA6203304.